The following is an entry in ClinVar:

NM_014795.4(ZEB2):c.162C>A (p.Asn54Lys)

Gene: ZEB2 (zinc finger E-box binding homeobox 2; minus strand). Cytogenetic location: 2q22.3.
Variant type: single nucleotide variant.
Coding change: c.162C>A on transcript NM_014795.4 (MANE Select); coding-DNA position 162, C replaced by A.
Protein change: p.Asn54Lys; replaces asparagine 54 with lysine.
Molecular consequence: missense variant.
Genome position (GRCh38, 1-based): chr2:144,429,938, G>T on the plus strand (C>A on the coding strand, the complement: ZEB2 is on the minus strand). VCF-style: chr2-144429938-G-T. GRCh37 (hg19) VCF-style: chr2-145187505-G-T.
Other names: c.162C>A, p.Asn54Lys (NM_001171653.2); short protein forms N54K.
Identifiers: ClinVar variation 1381707 (VCV001381707.6), dbSNP rs2149891254, ClinGen allele CA348718931.

ClinVar aggregate classification (germline): Uncertain significance (1 of 4 stars; one submission).

Conditions:
Mowat-Wilson syndrome (MOWS). Also called: Classic Mowat-Wilson Syndrome. Identifiers: Orphanet 2152, MedGen C1856113, MONDO:0009341, OMIM 235730.

Submission:

Labcorp Genetics (formerly Invitae), Labcorp
Classification: Uncertain significance for Mowat-Wilson syndrome. Last evaluated: 2022-08-23. Review status: criteria provided, single submitter. Criteria: Invitae Variant Classification Sherloc (09022015). Collection method: clinical testing. Allele origin: germline.
Comment: In summary, the available evidence is currently insufficient to determine the role of this variant in disease. Therefore, it has been classified as a Variant of Uncertain Significance. Algorithms developed to predict the effect of missense changes on protein structure and function are either unavailable or do not agree on the potential impact of this missense change (SIFT: "Deleterious"; PolyPhen-2: "Benign"; Align-GVGD: "Class C0"). ClinVar contains an entry for this variant (Variation ID: 1381707). This variant has not been reported in the literature in individuals affected with ZEB2-related conditions. This variant is not present in population databases (gnomAD no frequency). This sequence change replaces asparagine, which is neutral and polar, with lysine, which is basic and polar, at codon 54 of the ZEB2 protein (p.Asn54Lys).